The following is an entry in ClinVar:

NM_000038.6(APC):c.6041T>C (p.Val2014Ala)

Gene: APC (APC regulator of Wnt signaling pathway; plus strand). Cytogenetic location: 5q22.2.
Variant type: single nucleotide variant.
Coding change: c.6041T>C on transcript NM_000038.6 (MANE Select); coding-DNA position 6041, T replaced by C.
Protein change: p.Val2014Ala; replaces valine 2014 with alanine.
Molecular consequence: missense variant.
Genome position (GRCh38, 1-based): chr5:112,841,635, T>C. VCF-style: chr5-112841635-T-C. GRCh37 (hg19) VCF-style: chr5-112177332-T-C.
Other names: c.6041T>C, p.Val2014Ala (NM_001127510.3, NM_001354895.2); c.5987T>C, p.Val1996Ala (NM_001127511.3); c.6095T>C, p.Val2032Ala (NM_001354896.2); c.6071T>C, p.Val2024Ala (NM_001354897.2); c.5966T>C, p.Val1989Ala (NM_001354898.2); c.5957T>C, p.Val1986Ala (NM_001354899.2); c.5918T>C, p.Val1973Ala (NM_001354900.2); c.5864T>C, p.Val1955Ala (NM_001354901.2); and 5 more; short protein forms V1731A, V1955A, V2014A, V1923A, V1989A, V1996A, V1888A, V1913A.
Identifiers: ClinVar variation 826154 (VCV000826154.4), dbSNP rs1580667068, ClinGen allele CA16034550.

ClinVar aggregate classification (germline): Uncertain significance (1 of 4 stars; one submission).

Conditions:
Hereditary cancer-predisposing syndrome. Also called: Neoplastic Syndromes, Hereditary; Tumor predisposition; Hereditary neoplastic syndrome; Hereditary Cancer Syndrome. Identifiers: Orphanet 140162, MedGen C0027672, MeSH D009386, MONDO:0015356.

Submission:

Ambry Genetics
Classification: Uncertain significance for Hereditary cancer-predisposing syndrome. Last evaluated: 2019-02-25. Review status: criteria provided, single submitter. Criteria: Ambry Variant Classification Scheme 2023. Collection method: clinical testing. Allele origin: germline.
Comment: The p.V2014A variant (also known as c.6041T>C), located in coding exon 15 of the APC gene, results from a T to C substitution at nucleotide position 6041. The valine at codon 2014 is replaced by alanine, an amino acid with similar properties. This amino acid position is highly conserved in available vertebrate species. In addition, in silico predictors for this gene do not accurately predict pathogenicity. Since supporting evidence is limited at this time, the clinical significance of this alteration remains unclear.